The following is an entry in ClinVar:

ClinVar aggregate classification (germline): Uncertain significance. Review status: criteria provided, multiple submitters, no conflicts (2 of 4 stars). 2 submissions from 2 submitters: Uncertain significance (2). Last evaluated 2024-12-02.

Conditions:
Pulmonary hypertension, primary, 1 (PPH1). Also called: Pulmonary hypertension, familial primary, 1, with or without HHT. Identifiers: Orphanet 422, MedGen C4552070, MONDO:0024533, OMIM 178600.
Pulmonary venoocclusive disease 1 (PVOD1). Also called: Pulmonary venoocclusive disease 1, autosomal dominant. Identifiers: Orphanet 31837, MedGen C3887658, MONDO:0020713, OMIM 265450.
Inborn genetic diseases. Identifiers: MedGen C0950123, MeSH D030342.

gnomAD v4.1: 10 of 1,612,988 alleles (0.00062%); highest among the groups gnomAD compares: Admixed American, 0.005%; no homozygotes.

Submissions (2):

Ambry Genetics
Classification: Uncertain significance for Inborn genetic diseases. Last evaluated: 2024-12-02. Review status: criteria provided, single submitter. Criteria: Ambry Variant Classification Scheme 2023. Collection method: clinical testing. Allele origin: germline.
Comment: The p.R32Q variant (also known as c.95G>A), located in coding exon 2 of the BMPR2 gene, results from a G to A substitution at nucleotide position 95. The arginine at codon 32 is replaced by glutamine, an amino acid with highly similar properties. This amino acid position is conserved. In addition, the in silico prediction for this alteration is inconclusive. Based on the available evidence, the clinical significance of this variant remains unclear.

Fulgent Genetics
Classification: Uncertain significance for Pulmonary hypertension, primary, 1; Pulmonary venoocclusive disease 1. Last evaluated: 2024-02-07. Review status: criteria provided, single submitter. Criteria: ACMG Guidelines, 2015. Collection method: clinical testing. Allele origin: germline.

NM_001204.7(BMPR2):c.95G>A (p.Arg32Gln)

Gene: BMPR2 (bone morphogenetic protein receptor type 2; plus strand). Cytogenetic location: 2q33.1.
Variant type: single nucleotide variant.
Coding change: c.95G>A on transcript NM_001204.7 (MANE Select); coding-DNA position 95, G replaced by A.
Protein change: p.Arg32Gln; replaces arginine 32 with glutamine.
Molecular consequence: missense variant.
Genome position (GRCh38, 1-based): chr2:202,464,827, G>A. VCF-style: chr2-202464827-G-A. GRCh37 (hg19) VCF-style: chr2-203329550-G-A.
Other names: short protein forms R32Q.
Identifiers: ClinVar variation 3481326 (VCV003481326.2).